The following is an entry in ClinVar:

NM_015450.3(POT1):c.1702A>C (p.Ile568Leu)

Gene: POT1 (protection of telomeres 1; minus strand). Cytogenetic location: 7q31.33.
Variant type: single nucleotide variant.
Coding change: c.1702A>C on transcript NM_015450.3 (MANE Select); coding-DNA position 1702, A replaced by C.
Protein change: p.Ile568Leu; replaces isoleucine 568 with leucine.
Molecular consequence: missense variant. On other transcripts: non-coding transcript variant (3).
Genome position (GRCh38, 1-based): chr7:124,825,342, T>G on the plus strand (A>C on the coding strand, the complement: POT1 is on the minus strand). VCF-style: chr7-124825342-T-G. GRCh37 (hg19) VCF-style: chr7-124465396-T-G.
Other names: c.1309A>C, p.Ile437Leu (NM_001042594.2); short protein forms I437L, I568L.
Identifiers: ClinVar variation 949847 (VCV000949847.11), dbSNP rs150719673, ClinGen allele CA369062520.

ClinVar aggregate classification (germline): Uncertain significance. Review status: criteria provided, multiple submitters, no conflicts (2 of 4 stars). 2 submissions from 2 submitters: Uncertain significance (2). Last evaluated 2026-03-15.

Conditions:
Hereditary cancer-predisposing syndrome. Also called: Hereditary Cancer Syndrome; Neoplastic Syndromes, Hereditary; Tumor predisposition; Hereditary neoplastic syndrome. Identifiers: Orphanet 140162, MedGen C0027672, MeSH D009386, MONDO:0015356.
Tumor predisposition syndrome 3 (TPDS3). Also called: LONG TELOMERE SYNDROME, POT1-RELATED; POT1 Tumor Predisposition; Melanoma, cutaneous malignant, susceptibility to, 10; Glioma susceptibility 9. Identifiers: Orphanet 618, MedGen C4014476, MONDO:0014368, OMIM 615848.

gnomAD v4.1: 1 of 1,604,766 alleles (0.000062%); highest among the groups gnomAD compares: Non-Finnish European, 0.000085%; no homozygotes.

Submissions (2):

Ambry Genetics
Classification: Uncertain significance for Hereditary cancer-predisposing syndrome. Last evaluated: 2026-03-15. Review status: criteria provided, single submitter. Criteria: Ambry Variant Classification Scheme 2023. Collection method: clinical testing. Allele origin: germline.
Comment: The p.I568L variant (also known as c.1702A>C), located in coding exon 14 of the POT1 gene, results from an A to C substitution at nucleotide position 1702. The isoleucine at codon 568 is replaced by leucine, an amino acid with highly similar properties. This amino acid position is conserved. In addition, this alteration is predicted to be tolerated by in silico analysis. Based on the available evidence, the clinical significance of this variant remains unclear.

Labcorp Genetics (formerly Invitae), Labcorp
Classification: Uncertain significance for Tumor predisposition syndrome 3. Last evaluated: 2024-05-26. Review status: criteria provided, single submitter. Criteria: Invitae Variant Classification Sherloc (09022015). Collection method: clinical testing. Allele origin: germline.
Comment: This sequence change replaces isoleucine, which is neutral and non-polar, with leucine, which is neutral and non-polar, at codon 568 of the POT1 protein (p.Ile568Leu). This variant is not present in population databases (gnomAD no frequency). This variant has not been reported in the literature in individuals affected with POT1-related conditions. ClinVar contains an entry for this variant (Variation ID: 949847). Advanced modeling of protein sequence and biophysical properties (such as structural, functional, and spatial information, amino acid conservation, physicochemical variation, residue mobility, and thermodynamic stability) performed at Invitae indicates that this missense variant is not expected to disrupt POT1 protein function with a negative predictive value of 80%. In summary, the available evidence is currently insufficient to determine the role of this variant in disease. Therefore, it has been classified as a Variant of Uncertain Significance.